The following is an entry in ClinVar:

ClinVar aggregate classification (germline): Conflicting classifications of pathogenicity. Review status: criteria provided, conflicting classifications (1 of 4 stars). 3 submissions from 3 submitters: Uncertain significance (2); Likely benign (1). Last evaluated 2025-12-31.

Conditions:
Familial focal epilepsy with variable foci (FPEVF). Identifiers: Orphanet 98820, MedGen C1858477, MONDO:0020310.

Allele frequency attached by ClinVar (database versions not stated): gnomAD exomes below 0.00001; TOPMed below 0.00001; gnomAD 0.00001.
gnomAD v4.1: 11 of 1,614,060 alleles (0.00068%); highest among the groups gnomAD compares: Admixed American, 0.0033%; no homozygotes.

Submissions (3):

Labcorp Genetics (formerly Invitae), Labcorp
Classification: Uncertain significance for Familial focal epilepsy with variable foci. Last evaluated: 2025-12-31. Review status: criteria provided, single submitter. Criteria: Invitae Variant Classification Sherloc (09022015). Collection method: clinical testing. Allele origin: germline.
Comment: This sequence change replaces threonine, which is neutral and polar, with methionine, which is neutral and non-polar, at codon 960 of the DEPDC5 protein (p.Thr960Met). This variant is present in population databases (no rsID available, gnomAD 0.0009%). This variant has not been reported in the literature in individuals affected with DEPDC5-related conditions. ClinVar contains an entry for this variant (Variation ID: 421391). Experimental studies and prediction algorithms are not available or were not evaluated, and the functional significance of this variant is currently unknown. In summary, the available evidence is currently insufficient to determine the role of this variant in disease. Therefore, it has been classified as a Variant of Uncertain Significance.

Blueprint Genetics
Classification: Likely benign. Last evaluated: 2023-07-20. Review status: criteria provided, single submitter. Criteria: ACMG Guidelines, 2015. Collection method: clinical testing. Allele origin: germline.

GeneDx
Classification: Uncertain significance. Last evaluated: 2016-06-04. Review status: criteria provided, single submitter. Criteria: GeneDx Variant Classification (06012015). Collection method: clinical testing. Allele origin: germline. Affected: yes.
Comment: The T960M variant in the DEPDC5 gene has not been reported previously as a pathogenic variant, nor as a benign variant, to our knowledge. The T960M variant was not observed in approximately 6400 individuals of European and African American ancestry in the NHLBI Exome Sequencing Project, indicating it is not a common benign variant in these populations. The T960M variant is a non-conservative amino acid substitution, which is likely to impact secondary protein structure as these residues differ in polarity, charge, size and/or other properties. This substitution occurs at a position that is not conserved. In silico analysis is inconsistent in its predictions as to whether or not the variant is damaging to the protein structure/function. We interpret T960M as a variant of uncertain significance.

NM_001242896.3(DEPDC5):c.2879C>T (p.Thr960Met)

Gene: DEPDC5 (DEP domain containing 5, GATOR1 subcomplex subunit; plus strand). Cytogenetic location: 22q12.3.
Variant type: single nucleotide variant.
Coding change: c.2879C>T on transcript NM_001242896.3 (MANE Select); coding-DNA position 2879, C replaced by T.
Protein change: p.Thr960Met; replaces threonine 960 with methionine.
Molecular consequence: missense variant. On other transcripts: non-coding transcript variant (5).
Genome position (GRCh38, 1-based): chr22:31,845,095, C>T. VCF-style: chr22-31845095-C-T. GRCh37 (hg19) VCF-style: chr22-32241081-C-T.
Other names: c.2852C>T, p.Thr951Met (NM_001136029.4, NM_001369903.1, NM_014662.6); c.2645C>T, p.Thr882Met (NM_001242897.2, NM_001363854.2, NM_001364319.2); c.2879C>T, p.Thr960Met (NM_001363852.2, NM_001364318.2, NM_001364320.2); c.2795C>T, p.Thr932Met (NM_001369901.1, NM_001369902.1); short protein forms T882M, T960M, T932M, T951M.
Identifiers: ClinVar variation 421391 (VCV000421391.7), dbSNP rs1064795107, ClinGen allele CA16621111.